The following is an entry in ClinVar:

ClinVar aggregate classification (germline): Likely pathogenic (1 of 4 stars; one submission).

Submission:

Labcorp Genetics (formerly Invitae), Labcorp
Classification: Likely pathogenic. Last evaluated: 2022-09-27. Review status: criteria provided, single submitter. Criteria: Invitae Variant Classification Sherloc (09022015). Collection method: clinical testing. Allele origin: germline.
Comment: ClinVar contains an entry for this variant (Variation ID: 1067642). In summary, the currently available evidence indicates that the variant is pathogenic, but additional data are needed to prove that conclusively. Therefore, this variant has been classified as Likely Pathogenic. This variant disrupts the triple helix domain of COL2A1. Glycine residues within the Gly-Xaa-Yaa repeats of the triple helix domain are required for the structure and stability of fibrillar collagens (PMID: 7695699, 8218237, 19344236). In COL2A1, variants affecting these glycine residues are significantly enriched in individuals with disease (PMID: 9016532, 17078022) compared to the general population (ExAC). Algorithms developed to predict the effect of sequence changes on RNA splicing suggest that this variant may create or strengthen a splice site. Advanced modeling of protein sequence and biophysical properties (such as structural, functional, and spatial information, amino acid conservation, physicochemical variation, residue mobility, and thermodynamic stability) performed at Invitae indicates that this missense variant is expected to disrupt COL2A1 protein function. This variant has not been reported in the literature in individuals affected with COL2A1-related conditions. This variant is not present in population databases (gnomAD no frequency). This sequence change replaces glycine, which is neutral and non-polar, with serine, which is neutral and polar, at codon 339 of the COL2A1 protein (p.Gly339Ser).

Literature cited by the submitters: PubMed 7695699; PubMed 8218237; PubMed 19344236; PubMed 9016532; PubMed 17078022.

NM_001844.5(COL2A1):c.1015G>A (p.Gly339Ser)

Gene: COL2A1 (collagen type II alpha 1 chain; minus strand). Cytogenetic location: 12q13.11.
Variant type: single nucleotide variant.
Coding change: c.1015G>A on transcript NM_001844.5 (MANE Select); coding-DNA position 1015, G replaced by A.
Protein change: p.Gly339Ser; replaces glycine 339 with serine.
Molecular consequence: missense variant.
Genome position (GRCh38, 1-based): chr12:47,992,886, C>T on the plus strand (G>A on the coding strand, the complement: COL2A1 is on the minus strand). VCF-style: chr12-47992886-C-T. GRCh37 (hg19) VCF-style: chr12-48386669-C-T.
Other names: c.808G>A, p.Gly270Ser (NM_033150.3); short protein forms G270S, G339S.
Identifiers: ClinVar variation 1067642 (VCV001067642.9), dbSNP rs2136604691, ClinGen allele CA384555613.
Genomic context (GRCh38, chr12:47,992,886, plus strand): 5'-AAACTCTAAAGTGCTCGGCAAATGGTGGTGTTTGGCTTTGTCAATTACTCACCGCAGCGC[C>T]AGCAGGGCCAGTCCGTCCTCTTTCACCAGGCAGGCCACGAGGACCCTGGAACACACACCA-3'
Protein context (NP_001835.3, residues 329-349): PGERGRTGPA[Gly339Ser]AAGARGNDGQ